The following is an entry in ClinVar:

ClinVar aggregate classification (germline): Pathogenic/Likely pathogenic. Review status: criteria provided, multiple submitters, no conflicts (2 of 4 stars). 6 submissions from 6 submitters: Pathogenic (4); Likely pathogenic (1). 1 of the submissions does not count toward it. Last evaluated 2023-12-09.

Conditions:
TAZ-related disorders.
3-Methylglutaconic aciduria type 2 (BTHS). Also called: Barth syndrome; CARDIOSKELETAL MYOPATHY WITH NEUTROPENIA AND ABNORMAL MITOCHONDRIA. Identifiers: Orphanet 111, MedGen C0574083, MONDO:0010543, OMIM 302060.

Allele frequency attached by ClinVar (database versions not stated): gnomAD exomes below 0.00001.
gnomAD v4.1: 1 of 1,211,326 alleles (0.000083%); highest among the groups gnomAD compares: Non-Finnish European, 0.00011%; no homozygotes.

Submissions (6):

Labcorp Genetics (formerly Invitae), Labcorp
Classification: Pathogenic for 3-Methylglutaconic aciduria type 2. Last evaluated: 2023-12-09. Review status: criteria provided, single submitter. Criteria: Invitae Variant Classification Sherloc (09022015). Collection method: clinical testing. Allele origin: germline.
Comment: This sequence change replaces glycine, which is neutral and non-polar, with arginine, which is basic and polar, at codon 240 of the TAZ protein (p.Gly240Arg). This variant is not present in population databases (gnomAD no frequency). This missense change has been observed in individual(s) with Barth syndrome co-segregating with disease in an X-linked fashion (PMID: 4685904, 9382096, 11896212, 23345479). It has also been observed to segregate with disease in related individuals. ClinVar contains an entry for this variant (Variation ID: 35505). An algorithm developed to predict the effect of missense changes on protein structure and function (PolyPhen-2) suggests that this variant is likely to be disruptive. For these reasons, this variant has been classified as Pathogenic.

Blueprint Genetics
Classification: Pathogenic for TAZ-related disorders. Last evaluated: 2023-12-07. Review status: criteria provided, single submitter. Criteria: ACMG Guidelines, 2015. Collection method: clinical testing. Allele origin: germline. Affected: yes. Observed: 1 variant allele.

Molecular Diagnostics Lab, Nemours Children's Health, Delaware
Classification: Likely pathogenic for 3-Methylglutaconic aciduria type 2. Last evaluated: 2020-07-21. Review status: criteria provided, single submitter. Criteria: ACMG Guidelines, 2015. Collection method: clinical testing. Allele origin: unknown. Inheritance: X-linked inheritance. Affected: yes. Observed: 1 hemizygote.

GeneDx
Classification: Pathogenic. Last evaluated: 2019-08-13. Review status: criteria provided, single submitter. Criteria: GeneDx Variant Classification Process June 2021. Collection method: clinical testing. Allele origin: germline. Affected: yes.
Comment: Not observed in large population cohorts (Lek et al., 2016); In silico analysis, which includes protein predictors and evolutionary conservation, supports a deleterious effect; This variant is associated with the following publications: (PMID: 4685904, 12468278, 25941633, 20474083, 9382096, 29071820, 11896212, 30384889)

Stanford Center for Inherited Cardiovascular Disease, Stanford University
Classification: Pathogenic. Last evaluated: 2017-02-08. Review status: criteria provided, single submitter. Criteria: ACMG Guidelines, 2015. Collection method: provider interpretation. Allele origin: germline.

OMIM
Classification: Pathogenic for BARTH SYNDROME. Last evaluated: 1997-10-01. Review status: no assertion criteria provided. Collection method: literature only. Allele origin: germline. Not counted in ClinVar's aggregate classification.

Literature cited by the submitters: PubMed 4685904 (cited by Labcorp Genetics (formerly Invitae), Labcorp and OMIM); PubMed 9382096 (cited by 3 submitters); PubMed 11896212 (cited by Labcorp Genetics (formerly Invitae), Labcorp and Molecular Diagnostics Lab, Nemours Children's Health, Delaware); PubMed 23345479 (cited by Labcorp Genetics (formerly Invitae), Labcorp).

NM_000116.5(TAFAZZIN):c.718G>A (p.Gly240Arg)

Gene: TAFAZZIN (tafazzin, phospholipid-lysophospholipid transacylase; plus strand). Cytogenetic location: Xq28.
Variant type: single nucleotide variant.
Coding change: c.718G>A on transcript NM_000116.5 (MANE Select); coding-DNA position 718, G replaced by A.
Protein change: p.Gly240Arg; replaces glycine 240 with arginine.
Molecular consequence: missense variant. On other transcripts: non-coding transcript variant (1).
Genome position (GRCh38, 1-based): chrX:154,420,676, G>A. VCF-style: chrX-154420676-G-A. GRCh37 (hg19) VCF-style: chrX-153649015-G-A.
Other names: c.730G>A, p.Gly244Arg (NM_001303465.2); c.628G>A, p.Gly210Arg (NM_181311.4); c.676G>A, p.Gly226Arg (NM_181312.4); c.586G>A, p.Gly196Arg (NM_181313.4); short protein forms G240R, G226R, G244R, G196R, G210R.
Identifiers: ClinVar variation 35505 (VCV000035505.14), dbSNP rs387907218, ClinGen allele CA260077.